The following is an entry in ClinVar:

ClinVar aggregate classification (germline): Uncertain significance. Review status: criteria provided, single submitter (1 of 4 stars). 2 submissions from 2 submitters: Uncertain significance (1). 1 of the submissions does not count toward it. Last evaluated 2026-09-17.

Conditions:
Atypical hemolytic-uremic syndrome. Identifiers: Orphanet 2134, MedGen C2931788, MONDO:0016244.

Allele frequency attached by ClinVar (database versions not stated): gnomAD exomes below 0.00001.
gnomAD v4.1: 3 of 1,613,790 alleles (0.00019%); highest among the groups gnomAD compares: Non-Finnish European, 0.00025%; no homozygotes.

Submissions (2):

Genomenon, Inc
Classification: Uncertain significance for Atypical hemolytic-uremic syndrome. Last evaluated: 2026-09-17. Review status: criteria provided, single submitter. Criteria: Genomenon Sequence Variant Interpretation Standards - Updated. Collection method: curation. Allele origin: germline. Affected: yes.
Comment: CFH p.Arg1182Lys (c.3545G>A) is a missense variant that changes the amino acid at codon 1182 from arginine to lysine. This variant has been observed in at least one proband affected with atypical hemolytic-uremic syndrome (PMID: 28941939). Functional studies have been reported (PMID: 28941939). It is absent or not present at a significant frequency in gnomAD. In silico models predict that this variant is not damaging. In conclusion, we classify CFH p.Arg1182Lys (c.3545G>A) as a variant of uncertain significance.

Sydney Genome Diagnostics, Children's Hospital Westmead
Classification: Uncertain significance for Atypical hemolytic-uremic syndrome. Last evaluated: 2018-10-24. Review status: no assertion criteria provided. Collection method: clinical testing. Allele origin: unknown. Affected: yes. Observed: 1 variant allele, 1 heterozygote. Not counted in ClinVar's aggregate classification.
Comment: To our knowledge, this variant has not been previously reported in the literature and no frequency data is available. In silico analysis (Alamut Visual v2.6) using PolyPhen2, SIFT, Align GVGD and Mutation Taster all predict this variant to be benign.

Literature cited by the submitters: PubMed 28941939 (cited by Genomenon, Inc).

NM_000186.4(CFH):c.3545G>A (p.Arg1182Lys)

Gene: CFH (complement factor H; plus strand). Cytogenetic location: 1q31.3.
Variant type: single nucleotide variant.
Coding change: c.3545G>A on transcript NM_000186.4 (MANE Select); coding-DNA position 3545, G replaced by A.
Protein change: p.Arg1182Lys; replaces arginine 1182 with lysine.
Molecular consequence: missense variant.
Genome position (GRCh38, 1-based): chr1:196,747,162, G>A. VCF-style: chr1-196747162-G-A. GRCh37 (hg19) VCF-style: chr1-196716292-G-A.
Other names: short protein forms R1182K.
Identifiers: ClinVar variation 988143 (VCV000988143.3), dbSNP rs749403509, ClinGen allele CA343987388.